The following is an entry in ClinVar:

NM_201596.3(CACNB2):c.1715A>T (p.Glu572Val)

Gene: CACNB2 (calcium voltage-gated channel auxiliary subunit beta 2; plus strand). Cytogenetic location: 10p12.31.
Variant type: single nucleotide variant.
Coding change: c.1715A>T on transcript NM_201596.3 (MANE Select); coding-DNA position 1715, A replaced by T.
Protein change: p.Glu572Val; replaces glutamic acid 572 with valine.
Molecular consequence: missense variant.
Genome position (GRCh38, 1-based): chr10:18,539,456, A>T. VCF-style: chr10-18539456-A-T. GRCh37 (hg19) VCF-style: chr10-18828385-A-T.
Other names: c.1550A>T, p.Glu517Val (NM_000724.4); c.1517A>T, p.Glu506Val (NM_001167945.2); c.1436A>T, p.Glu479Val (NM_001330060.2); c.1457A>T, p.Glu486Val (NM_001410882.1); c.1571A>T, p.Glu524Val (NM_201570.3); c.1631A>T, p.Glu544Val (NM_201571.4); c.1559A>T, p.Glu520Val (NM_201572.4); c.1553A>T, p.Glu518Val (NM_201590.3); and 2 more; short protein forms E486V, E517V, E520V, E572V, E479V, E518V, E524V, E544V.
Identifiers: ClinVar variation 2886271 (VCV002886271.3), dbSNP rs2494914877, ClinGen allele CA376071878.

ClinVar aggregate classification (germline): Uncertain significance (1 of 4 stars; one submission).

Conditions:
Brugada syndrome 4 (BRGDA4). Identifiers: Orphanet 130, MedGen C2678477, MONDO:0012743, OMIM 611876.

Allele frequency attached by ClinVar (database versions not stated): gnomAD exomes below 0.00001.
gnomAD v4.1: 1 of 1,613,964 alleles (0.000062%); highest among the groups gnomAD compares: Admixed American, 0.0017%; no homozygotes.

Submission:

Labcorp Genetics (formerly Invitae), Labcorp
Classification: Uncertain significance for Brugada syndrome 4. Last evaluated: 2024-10-15. Review status: criteria provided, single submitter. Criteria: Invitae Variant Classification Sherloc (09022015). Collection method: clinical testing. Allele origin: germline.
Comment: This sequence change replaces glutamic acid, which is acidic and polar, with valine, which is neutral and non-polar, at codon 518 of the CACNB2 protein (p.Glu518Val). This variant is not present in population databases (gnomAD no frequency). This variant has not been reported in the literature in individuals affected with CACNB2-related conditions. Invitae Evidence Modeling of protein sequence and biophysical properties (such as structural, functional, and spatial information, amino acid conservation, physicochemical variation, residue mobility, and thermodynamic stability) indicates that this missense variant is not expected to disrupt CACNB2 protein function with a negative predictive value of 80%. In summary, the available evidence is currently insufficient to determine the role of this variant in disease. Therefore, it has been classified as a Variant of Uncertain Significance.